The following is an entry in ClinVar:

ClinVar aggregate classification (germline): Likely pathogenic (1 of 4 stars; one submission).

Submission:

GeneDx
Classification: Likely pathogenic. Last evaluated: 2017-05-31. Review status: criteria provided, single submitter. Criteria: GeneDx Variant Classification (06012015). Collection method: clinical testing. Allele origin: germline. Affected: yes.
Comment: The c.1155delC variant in the SMOC2 gene has not been reported previously as a pathogenic variant nor as a benign variant, to our knowledge. The c.1155delC variant causes a frameshift starting with codon Phenylalanine 386, changes this amino acid to a Serine residue, and creates a premature Stop codon at position 15 of the new reading frame, denoted p.Phe386SerfsX15. This variant is predicted to cause loss of normal protein function either through protein truncation or nonsense-mediated mRNA decay. The c.1155delC variant is not observed in large population cohorts (Lek et al., 2016; 1000 Genomes Consortium et al., 2015; Exome Variant Server). We interpret c.1155delC as a likely pathogenic variant.

NM_001166412.2(SMOC2):c.1122del (p.Phe375fs)

Gene: SMOC2 (SPARC related modular calcium binding 2; plus strand). Cytogenetic location: 6q27.
Variant type: Deletion.
Coding change: c.1122del on transcript NM_001166412.2 (MANE Select); coding-DNA position 1122, one base deleted (C; older notation c.1122delC).
Protein change: p.Phe375fs; shifts the reading frame from phenylalanine 375.
Molecular consequence: frameshift variant.
Genome position (GRCh38, 1-based): chr6:168,653,065, C deleted; the last of 3 consecutive C bases (chr6:168,653,063-168,653,065); deleting any one gives the same sequence. VCF-style (leftmost placement, unchanged base first): chr6-168653062-AC-A. GRCh37 (hg19) VCF-style: chr6-169053742-AC-A.
Other names: c.1155del, p.Phe386fs (NM_022138.3); short protein forms F375fs, F386fs.
Identifiers: ClinVar variation 432362 (VCV000432362.2), dbSNP rs770992223, ClinGen allele CA152058884.